The following is an entry in ClinVar:

ClinVar aggregate classification (germline): Uncertain significance (1 of 4 stars; one submission).

gnomAD v4.1: 1 of 1,587,568 alleles (0.000063%); highest among the groups gnomAD compares: Non-Finnish European, 0.000086%; no homozygotes.

Submission:

Labcorp Genetics (formerly Invitae), Labcorp
Classification: Uncertain significance. Last evaluated: 2024-12-09. Review status: criteria provided, single submitter. Criteria: Invitae Variant Classification Sherloc (09022015). Collection method: clinical testing. Allele origin: germline.
Comment: This sequence change replaces alanine, which is neutral and non-polar, with aspartic acid, which is acidic and polar, at codon 454 of the EXOSC9 protein (p.Ala454Asp). This variant is not present in population databases (gnomAD no frequency). This variant has not been reported in the literature in individuals affected with EXOSC9-related conditions. ClinVar contains an entry for this variant (Variation ID: 2106948). Experimental studies and prediction algorithms are not available or were not evaluated, and the functional significance of this variant is currently unknown. In summary, the available evidence is currently insufficient to determine the role of this variant in disease. Therefore, it has been classified as a Variant of Uncertain Significance.

NM_005033.3(EXOSC9):c.1310C>A (p.Ala437Asp)

Genes: CCNA2 (cyclin A2; minus strand), EXOSC9 (exosome component 9; plus strand). Cytogenetic location: 4q27.
Variant type: single nucleotide variant.
Coding change: c.1310C>A on transcript NM_005033.3 (MANE Select); coding-DNA position 1310, C replaced by A.
Protein change: p.Ala437Asp; replaces alanine 437 with aspartic acid.
Molecular consequence: missense variant. On other transcripts: 3 prime UTR variant (1).
Genome position (GRCh38, 1-based): chr4:121,816,846, C>A. VCF-style: chr4-121816846-C-A. GRCh37 (hg19) VCF-style: chr4-122738001-C-A.
Other names: c.1361C>A, p.Ala454Asp (NM_001034194.2); c.*792G>T (NM_001237.5); short protein forms A437D, A454D.
Identifiers: ClinVar variation 2106948 (VCV002106948.4), dbSNP rs2476779545, ClinGen allele CA358047310.